The following is an entry in ClinVar:

NM_000094.4(COL7A1):c.7411C>T (p.Arg2471Ter)

Gene: COL7A1 (collagen type VII alpha 1 chain; minus strand). Cytogenetic location: 3p21.31.
Variant type: single nucleotide variant.
Coding change: c.7411C>T on transcript NM_000094.4 (MANE Select); coding-DNA position 7411, C replaced by T.
Protein change: p.Arg2471Ter; replaces arginine 2471 with a stop codon.
Molecular consequence: nonsense.
Genome position (GRCh38, 1-based): chr3:48,570,304, G>A on the plus strand (C>T on the coding strand, the complement: COL7A1 is on the minus strand). VCF-style: chr3-48570304-G-A. GRCh37 (hg19) VCF-style: chr3-48607737-G-A.
Other names: short protein forms R2471*.
Identifiers: ClinVar variation 17459 (VCV000017459.12), dbSNP rs121912852, ClinGen allele CA257962.

ClinVar aggregate classification (germline): Pathogenic. Review status: criteria provided, multiple submitters, no conflicts (2 of 4 stars). 6 submissions from 6 submitters: Pathogenic (5). 1 of the submissions does not count toward it. Last evaluated 2025-02-19.

Conditions:
Epidermolysis bullosa pruriginosa. Also called: DEB, PRURIGINOSA; DYSTROPHIC EPIDERMOLYSIS BULLOSA PRURIGINOSA. Identifiers: Orphanet 89843, MedGen C1275114, MONDO:0011398, OMIM 604129.
Nonsyndromic congenital nail disorder 8. Also called: TOENAIL DYSTROPHY, ISOLATED. Identifiers: MedGen C1843761, MONDO:0011852, OMIM 607523.
Transient bullous dermolysis of the newborn (TBDN). Also called: DYSTROPHIC EPIDERMOLYSIS BULLOSA, NEONATAL; EPIDERMOLYSIS BULLOSA DYSTROPHICA, NEONATAL FORM. Identifiers: Orphanet 79411, MedGen C1851573, MONDO:0007548, OMIM 131705.
Pretibial dystrophic epidermolysis bullosa. Also called: EPIDERMOLYSIS BULLOSA DYSTROPHICA, PRETIBIAL; Pretibial epidermolysis bullosa; Pretibial blistering. Identifiers: Orphanet 79410, MedGen C0432321, MONDO:0007552, OMIM 131850, HP:0012221.
Dominant dystrophic epidermolysis bullosa with absence of skin. Also called: EPIDERMOLYSIS BULLOSA WITH CONGENITAL LOCALIZED ABSENCE OF SKIN AND DEFORMITY OF NAILS; EPIDERMOLYSIS BULLOSA DYSTROPHICA, BART TYPE. Identifiers: MedGen C0268371, MONDO:0007557, OMIM 132000.
Recessive dystrophic epidermolysis bullosa (RDEB). Also called: EPIDERMOLYSIS BULLOSA DYSTROPHICA, HALLOPEAU-SIEMENS TYPE; Epidermolysis Bullosa Distrophica Autosomal Recessive (RDEB); Recessive DEB (RDEB); Hallopeau-Siemens Disease; severe generalized recessive dystrophic epidermolysis bullosa; DYSTROPHIC EPIDERMOLYSIS BULLOSA, AUTOSOMAL RECESSIVE. Identifiers: Orphanet 79408, Orphanet 79409, MedGen C0079474, MONDO:0009179, OMIM 226600.
Generalized dominant dystrophic epidermolysis bullosa (DDEB). Also called: DYSTROPHIC EPIDERMOLYSIS BULLOSA, AUTOSOMAL DOMINANT; Epidermolysis bullosa dystrophica, autosomal dominant; Dominant DEB (DDEB); DDEB, generalized; DDEB-gen. Identifiers: Orphanet 231568, MedGen C0432322, MONDO:0007549, OMIM 131750.
Epidermolysis bullosa dystrophica. Also called: Dystrophic epidermolysis bullosa; Dystrophic epidermolysis bullosa, Hallopeau-Siemens type (formerly). Identifiers: Orphanet 303, MedGen C0079294, MONDO:0006543.

Allele frequency attached by ClinVar (database versions not stated): gnomAD exomes below 0.00001 and 0.00001; ExAC 0.00001.
gnomAD v4.1: 3 of 1,614,046 alleles (0.00019%); highest among the groups gnomAD compares: South Asian, 0.0022%; no homozygotes.

Submissions (6):

Natera, Inc.
Classification: Pathogenic for Dystrophic epidermolysis bullosa. Last evaluated: 2025-02-19. Review status: criteria provided, single submitter. Criteria: Natera Variant Classification Schema (03/2026). Collection method: clinical testing. Allele origin: germline.
Comment: The c.7411C>T variant in COL7A1 is a nonsense variant predicted to introduce a stop codon at amino acid 2471. This variant is expected to result in nonsense mediated decay, truncation, or a dysfunctional protein product. This variant is rare in the general population with a frequency below the threshold expected for the associated phenotype(s). This variant has been observed in one or more individuals affected with the associated recessive disease, as either homozygous or compound heterozygous with a second variant (PMID: 35222512, 27899325). Given the available evidence, this variant is classified as Pathogenic.

Labcorp Genetics (formerly Invitae), Labcorp
Classification: Pathogenic. Last evaluated: 2024-06-26. Review status: criteria provided, single submitter. Criteria: Invitae Variant Classification Sherloc (09022015). Collection method: clinical testing. Allele origin: germline.
Comment: This sequence change creates a premature translational stop signal (p.Arg2471*) in the COL7A1 gene. It is expected to result in an absent or disrupted protein product. Loss-of-function variants in COL7A1 are known to be pathogenic (PMID: 16971478). This variant is present in population databases (rs121912852, gnomAD 0.003%). This premature translational stop signal has been observed in individual(s) with clinical features of autosomal recessive epidermolysis bullosa dystrophica (PMID: 8644729, 29473190, 31001817). In at least one individual the data is consistent with being in trans (on the opposite chromosome) from a pathogenic variant. ClinVar contains an entry for this variant (Variation ID: 17459). Algorithms developed to predict the effect of sequence changes on RNA splicing suggest that this variant may disrupt the consensus splice site. For these reasons, this variant has been classified as Pathogenic.

Myriad Genetics, Inc.
Classification: Pathogenic for Recessive dystrophic epidermolysis bullosa. Last evaluated: 2024-06-23. Review status: criteria provided, single submitter. Criteria: Myriad Autosomal Dominant, Autosomal Recessive and X-Linked Classification Criteria (2023). Collection method: clinical testing. Allele origin: unknown.
Comment: NM_000094.3(COL7A1):c.7411C>T(R2471*) is expected to be pathogenic in the context of dystrophic epidermolysis bullosa. This variant is predicted to lead to an abnormal or absent protein product due to the creation of a premature termination codon in COL7A1, a gene where loss-of-function variants are known to be pathogenic. Please note: this variant was assessed in the context of healthy population screening.

Fulgent Genetics
Classification: Pathogenic for Transient bullous dermolysis of the newborn; Generalized dominant dystrophic epidermolysis bullosa; Pretibial dystrophic epidermolysis bullosa; Dominant dystrophic epidermolysis bullosa with absence of skin; Recessive dystrophic epidermolysis bullosa; Epidermolysis bullosa pruriginosa; Nonsyndromic congenital nail disorder 8. Last evaluated: 2024-05-19. Review status: criteria provided, single submitter. Criteria: ACMG Guidelines, 2015. Collection method: clinical testing. Allele origin: germline.

GeneDx
Classification: Pathogenic. Last evaluated: 2019-11-15. Review status: criteria provided, single submitter. Criteria: GeneDx Variant Classification Process June 2021. Collection method: clinical testing. Allele origin: germline. Affected: yes.
Comment: Nonsense variant predicted to result in protein truncation or nonsense mediated decay in a gene for which loss-of-function is a known mechanism of disease; Not observed at a significant frequency in large population cohorts (Lek et al., 2016); This variant is associated with the following publications: (PMID: 31001817, 25525159, 16271705, 18558993, 21448560, 8644729, 29473190)

OMIM
Classification: Pathogenic for EPIDERMOLYSIS BULLOSA DYSTROPHICA, AUTOSOMAL RECESSIVE. Last evaluated: 1996-04-01. Review status: no assertion criteria provided. Collection method: literature only. Allele origin: germline. Not counted in ClinVar's aggregate classification.

Literature cited by the submitters: PubMed 35222512 (cited by Natera, Inc.); PubMed 27899325 (cited by Natera, Inc.); PubMed 16971478 (cited by Labcorp Genetics (formerly Invitae), Labcorp); PubMed 8644729 (cited by Labcorp Genetics (formerly Invitae), Labcorp and OMIM); PubMed 29473190 (cited by Labcorp Genetics (formerly Invitae), Labcorp); PubMed 31001817 (cited by Labcorp Genetics (formerly Invitae), Labcorp).